The following is an entry in ClinVar:

NM_001148.6(ANK2):c.2698C>T (p.Arg900Ter)

Gene: ANK2 (ankyrin 2; plus strand). Cytogenetic location: 4q26.
Variant type: single nucleotide variant.
Coding change: c.2698C>T on transcript NM_001148.6 (MANE Select); coding-DNA position 2698, C replaced by T.
Protein change: p.Arg900Ter; replaces arginine 900 with a stop codon.
Molecular consequence: nonsense. On other transcripts: intron variant (22).
Genome position (GRCh38, 1-based): chr4:113,317,711, C>T. VCF-style: chr4-113317711-C-T. GRCh37 (hg19) VCF-style: chr4-114238867-C-T.
Other names: c.2743C>T, p.Arg915Ter (NM_001354240.2, NM_001354241.2, NM_001386144.1); c.2635C>T, p.Arg879Ter (NM_001354243.2, NM_001354275.2, NM_001354255.2 and 3 more transcripts); c.2599C>T, p.Arg867Ter (NM_001354245.2, NM_001354268.2); c.2611C>T, p.Arg871Ter (NM_001354249.2, NM_001354276.2, NM_001354266.2 and 7 more transcripts); c.2536C>T, p.Arg846Ter (NM_001354253.2, NM_001354257.2, NM_001354270.2 and 1 more transcripts); c.2512C>T, p.Arg838Ter (NM_001354271.2, NM_001354260.2, NM_001386151.1); c.2413C>T, p.Arg805Ter (NM_001354277.2, NM_001386157.1); c.325C>T, p.Arg109Ter (NM_001354278.2, NM_001354279.2, NM_001354280.2 and 2 more transcripts); and 17 more; short protein forms R109*, R772*, R805*, R838*, R846*, R867*, R871*, R879*.
Identifiers: ClinVar variation 2631072 (VCV002631072.1), dbSNP rs1162799877, ClinGen allele CA357930377.

ClinVar aggregate classification (germline): Likely pathogenic (1 of 4 stars; one submission).

Conditions:
ANK2-related disorder. Also called: ANK2-related condition.

Allele frequency attached by ClinVar (database versions not stated): gnomAD exomes below 0.00001.
gnomAD v4.1: 1 of 1,613,724 alleles (0.000062%); highest among the groups gnomAD compares: Non-Finnish European, 0.000085%; no homozygotes.

Submission:

PreventionGenetics, part of Exact Sciences
Classification: Likely pathogenic for ANK2-related condition. Last evaluated: 2023-08-28. Review status: criteria provided, single submitter. Criteria: ACMG Guidelines, 2015. Collection method: clinical testing. Allele origin: germline.
Comment: The ANK2 c.2698C>T variant is predicted to result in premature protein termination (p.Arg900*). To our knowledge, this variant has not been reported in the literature. This variant is reported in 0.00088% of alleles in individuals of European (Non-Finnish) descent in gnomAD. Nonsense variants in ANK2 are expected to be pathogenic. This variant is interpreted as likely pathogenic.